The following is an entry in ClinVar:

ClinVar aggregate classification (germline): Likely pathogenic (1 of 4 stars; one submission).

Conditions:
Mucopolysaccharidosis, MPS-III-C (MPS3C). Also called: MPS IIIC (Sanfilippo Syndrome Type C); MUCOPOLYSACCHARIDOSIS, TYPE IIIC; Mucopolysaccharidosis type IIIC (Sanfilippo C); mucopolysaccharidosis type 3C; SANFILIPPO SYNDROME C; MPS III C. Identifiers: Orphanet 581, Orphanet 79271, MedGen C0086649, MONDO:0009657, OMIM 252930.

Submission:

Myriad Genetics, Inc.
Classification: Likely pathogenic for Mucopolysaccharidosis, MPS-III-C. Last evaluated: 2020-03-31. Review status: criteria provided, single submitter. Criteria: Myriad Women's Health Autosomal Recessive and X-Linked Classification Criteria (2019). Collection method: clinical testing. Allele origin: unknown.
Comment: NM_152419.2(HGSNAT):c.1170G>A(W390*) is expected to be pathogenic in the context of mucopolysaccharidosis type IIIC. This variant is predicted to lead to an abnormal or absent protein product due to the creation of a premature termination codon in HGSNAT, a gene where loss-of-function variants are known to be pathogenic. Please note: this variant was assessed in the context of healthy population screening.

NM_152419.3(HGSNAT):c.1170G>A (p.Trp390Ter)

Gene: HGSNAT (heparan-alpha-glucosaminide N-acetyltransferase; plus strand). Cytogenetic location: 8p11.21.
Variant type: single nucleotide variant.
Coding change: c.1170G>A on transcript NM_152419.3 (MANE Select); coding-DNA position 1170, G replaced by A.
Protein change: p.Trp390Ter; replaces tryptophan 390 with a stop codon.
Molecular consequence: nonsense.
Genome position (GRCh38, 1-based): chr8:43,191,515, G>A. VCF-style: chr8-43191515-G-A. GRCh37 (hg19) VCF-style: chr8-43046658-G-A.
Other names: c.1170G>A, p.Trp390Ter (NM_001363227.2); c.978G>A, p.Trp326Ter (NM_001363228.2); c.306G>A, p.Trp102Ter (NM_001363229.2); short protein forms W102*, W326*, W390*.
Identifiers: ClinVar variation 983887 (VCV000983887.3), dbSNP rs1804526900, ClinGen allele CA371119038.